The following is an entry in ClinVar:

NM_014956.5(CEP164):c.1114G>A (p.Ala372Thr)

Gene: CEP164 (centrosomal protein 164; plus strand). Cytogenetic location: 11q23.3.
Variant type: single nucleotide variant.
Coding change: c.1114G>A on transcript NM_014956.5 (MANE Select); coding-DNA position 1114, G replaced by A.
Protein change: p.Ala372Thr; replaces alanine 372 with threonine.
Molecular consequence: missense variant.
Genome position (GRCh38, 1-based): chr11:117,371,428, G>A. VCF-style: chr11-117371428-G-A. GRCh37 (hg19) VCF-style: chr11-117242144-G-A.
Other names: c.1114G>A, p.Ala372Thr (NM_001271933.2); c.1114G>A (NM_014956.4); short protein forms A372T.
Identifiers: ClinVar variation 1016379 (VCV001016379.9), dbSNP rs2042180668, ClinGen allele CA382738048.

ClinVar aggregate classification (germline): Uncertain significance. Review status: criteria provided, multiple submitters, no conflicts (2 of 4 stars). 2 submissions from 2 submitters: Uncertain significance (2). Last evaluated 2025-02-13.

Conditions:
CEP164-related disorder. Also called: CEP164-related condition.
Nephronophthisis 15 (NPHP15). Identifiers: Orphanet 3156, MedGen C3541853, MONDO:0013917, OMIM 614845.

gnomAD v4.1: 4 of 1,613,686 alleles (0.00025%); highest among the groups gnomAD compares: Non-Finnish European, 0.00034%; no homozygotes.

Submissions (2):

PreventionGenetics, part of Exact Sciences
Classification: Uncertain significance for CEP164-related condition. Last evaluated: 2025-02-13. Review status: criteria provided, single submitter. Criteria: ACMG Guidelines, 2015. Collection method: clinical testing. Allele origin: germline.
Comment: The CEP164 c.1114G>A variant is predicted to result in the amino acid substitution p.Ala372Thr. To our knowledge, this variant has not been reported in the literature or in a large population database (gnomAD), indicating this variant is rare. At this time, the clinical significance of this variant is uncertain due to the absence of conclusive functional and genetic evidence.

Labcorp Genetics (formerly Invitae), Labcorp
Classification: Uncertain significance for Nephronophthisis 15. Last evaluated: 2024-05-31. Review status: criteria provided, single submitter. Criteria: Invitae Variant Classification Sherloc (09022015). Collection method: clinical testing. Allele origin: germline.
Comment: This sequence change replaces alanine, which is neutral and non-polar, with threonine, which is neutral and polar, at codon 372 of the CEP164 protein (p.Ala372Thr). This variant is not present in population databases (gnomAD no frequency). This variant has not been reported in the literature in individuals affected with CEP164-related conditions. ClinVar contains an entry for this variant (Variation ID: 1016379). Algorithms developed to predict the effect of missense changes on protein structure and function output the following: SIFT: "Not Available"; PolyPhen-2: "Benign"; Align-GVGD: "Not Available". The threonine amino acid residue is found in multiple mammalian species, which suggests that this missense change does not adversely affect protein function. In summary, the available evidence is currently insufficient to determine the role of this variant in disease. Therefore, it has been classified as a Variant of Uncertain Significance.